The following is an entry in ClinVar:

ClinVar aggregate classification (germline): Uncertain significance (1 of 4 stars; one submission).

Conditions:
Primary ciliary dyskinesia. Also called: Ciliary dyskinesia. Identifiers: Orphanet 244, MedGen C0008780, MONDO:0016575, HP:0012265.

Allele frequency attached by ClinVar (database versions not stated): 1000 Genomes Project 30x 0.00031.
gnomAD v4.1: 12 of 1,529,150 alleles (0.00078%); highest among the groups gnomAD compares: African/African-American, 0.015%; no homozygotes.

Submission:

Ambry Genetics
Classification: Uncertain significance for Primary ciliary dyskinesia. Last evaluated: 2022-10-14. Review status: criteria provided, single submitter. Criteria: Ambry Variant Classification Scheme 2023. Collection method: clinical testing. Allele origin: germline.
Comment: The p.D397E variant (also known as c.1191C>G), located in coding exon 1 of the DNAAF2 gene, results from a C to G substitution at nucleotide position 1191. The aspartic acid at codon 397 is replaced by glutamic acid, an amino acid with highly similar properties. This amino acid position is conserved. In addition, this alteration is predicted to be tolerated by in silico analysis. Since supporting evidence is limited at this time, the clinical significance of this alteration remains unclear.

NM_018139.3(DNAAF2):c.1191C>G (p.Asp397Glu)

Genes: DNAAF2 (dynein axonemal assembly factor 2; minus strand), LOC130055542 (ATAC-STARR-seq lymphoblastoid silent region 5699; plus strand). Cytogenetic location: 14q21.3.
Variant type: single nucleotide variant.
Coding change: c.1191C>G on transcript NM_018139.3 (MANE Select); coding-DNA position 1191, C replaced by G.
Protein change: p.Asp397Glu; replaces aspartic acid 397 with glutamic acid.
Molecular consequence: missense variant. On other transcripts: 5 prime UTR variant (1).
Genome position (GRCh38, 1-based): chr14:49,633,959, G>C on the plus strand (C>G on the coding strand, the complement: DNAAF2 is on the minus strand). VCF-style: chr14-49633959-G-C. GRCh37 (hg19) VCF-style: chr14-50100677-G-C.
Other names: c.1191C>G, p.Asp397Glu (NM_001083908.2); c.-681C>G (NM_001378453.1); short protein forms D397E.
Identifiers: ClinVar variation 1744938 (VCV001744938.2), dbSNP rs1404363594, ClinGen allele CA389629137.
Genomic context (GRCh38, chr14:49,633,959, plus strand): 5'-GTCGCCCAGGGTGGTGACCCCGGAGCCCGCAGCCCCAGCCACGCAGGTATCGTGGCCTCC[G>C]TCCTCCGCGCGACTCCTCGCGGGTCCCGCCTCCCCCTCGCGAGCGGAAGCGCAGGCCTGG-3'
Protein context (NP_060609.2, residues 387-407): EAGPARSRAE[Asp397Glu]GGHDTCVAGA